The following is an entry in ClinVar:

ClinVar aggregate classification (germline): Uncertain significance (1 of 4 stars; one submission).

Conditions:
ABCG8-related disorder. Also called: ABCG8-related condition.

gnomAD v4.1: 6 of 1,614,048 alleles (0.00037%); highest among the groups gnomAD compares: Non-Finnish European, 0.00051%; no homozygotes.

Submission:

PreventionGenetics, part of Exact Sciences
Classification: Uncertain significance for ABCG8-related condition. Last evaluated: 2026-08-31. Review status: criteria provided, single submitter. Criteria: ACMG Guidelines, 2015. Collection method: clinical testing. Allele origin: germline.
Comment: The ABCG8 c.1384A>C variant is predicted to result in the amino acid substitution p.Asn462His. To our knowledge, this variant has not been reported in the literature or in a large population database (gnomAD), indicating this variant is rare. At this time, the clinical significance of this variant is uncertain due to the absence of conclusive functional and genetic evidence.

NM_022437.3(ABCG8):c.1384A>C (p.Asn462His)

Gene: ABCG8 (ATP binding cassette subfamily G member 8; plus strand). Cytogenetic location: 2p21.
Variant type: single nucleotide variant.
Coding change: c.1384A>C on transcript NM_022437.3 (MANE Select); coding-DNA position 1384, A replaced by C.
Protein change: p.Asn462His; replaces asparagine 462 with histidine.
Molecular consequence: missense variant.
Genome position (GRCh38, 1-based): chr2:43,873,959, A>C. VCF-style: chr2-43873959-A-C. GRCh37 (hg19) VCF-style: chr2-44101098-A-C.
Other names: c.1381A>C, p.Asn461His (NM_001357321.2); short protein forms N462H, N461H.
Identifiers: ClinVar variation 4994217 (VCV004994217.1).
Genomic context (GRCh38, chr2:43,873,959, plus strand): 5'-CAGCTCTCCTTCATGGATACAGCCGCCCTCTTGTTCATGATCGGTGCTCTCATCCCTTTC[A>C]ACGTCATTCTGGATGTCATCTCCAAATGTGAGTGTGGCCCACTGGCATGGGCAGGCAGGA-3'
Protein context (NP_071882.1, residues 452-472): LFMIGALIPF[Asn462His]VILDVISKCY